The following is an entry in ClinVar:

NM_001379286.1(ZNF423):c.2702C>T (p.Ala901Val)

Gene: ZNF423 (zinc finger protein 423; minus strand). Cytogenetic location: 16q12.1.
Variant type: single nucleotide variant.
Coding change: c.2702C>T on transcript NM_001379286.1 (MANE Select); coding-DNA position 2702, C replaced by T.
Protein change: p.Ala901Val; replaces alanine 901 with valine.
Molecular consequence: missense variant.
Genome position (GRCh38, 1-based): chr16:49,636,474, G>A on the plus strand (C>T on the coding strand, the complement: ZNF423 is on the minus strand). VCF-style: chr16-49636474-G-A. GRCh37 (hg19) VCF-style: chr16-49670385-G-A.
Other names: c.2498C>T, p.Ala833Val (NM_001271620.2); c.2327C>T, p.Ala776Val (NM_001330533.2); c.2678C>T, p.Ala893Val (NM_015069.5); short protein forms A833V, A893V, A776V, A901V.
Identifiers: ClinVar variation 450244 (VCV000450244.9), dbSNP rs1051021187, ClinGen allele CA281211471.
Genomic context (GRCh38, chr16:49,636,474, plus strand): 5'-GGCCGGATATTGTGGTCCCGCAGCCGGTGATTCTGCAGCAGCACCTCCATGGTGTAGGCC[G>A]CCCCACAGATGTCACAGCCGTACATGGGCTCCGACGCGTCCACGTCATCCTCGCTGGCCT-3'
Protein context (NP_001366215.1, residues 891-911): EPMYGCDICG[Ala901Val]AYTMEVLLQN

ClinVar aggregate classification (germline): Uncertain significance. Review status: criteria provided, multiple submitters, no conflicts (2 of 4 stars). 2 submissions from 2 submitters: Uncertain significance (2). Last evaluated 2021-09-01.

Conditions:
Nephronophthisis 14 (NPHP14). Identifiers: Orphanet 2318, MedGen C3539071, MONDO:0013916, OMIM 614844.

Allele frequency attached by ClinVar (database versions not stated): gnomAD exomes 0.00001; TOPMed 0.00002; gnomAD 0.00003.
gnomAD v4.1: 17 of 1,613,538 alleles (0.0011%); highest among the groups gnomAD compares: Non-Finnish European, 0.0014%; no homozygotes.

Submissions (2):

Labcorp Genetics (formerly Invitae), Labcorp
Classification: Uncertain significance for Nephronophthisis 14. Last evaluated: 2021-09-01. Review status: criteria provided, single submitter. Criteria: Invitae Variant Classification Sherloc (09022015). Collection method: clinical testing. Allele origin: germline.
Comment: This sequence change replaces alanine with valine at codon 893 of the ZNF423 protein (p.Ala893Val). The alanine residue is highly conserved and there is a small physicochemical difference between alanine and valine. This variant is not present in population databases (ExAC no frequency). This variant has not been reported in the literature in individuals affected with ZNF423-related conditions. ClinVar contains an entry for this variant (Variation ID: 450244). Algorithms developed to predict the effect of missense changes on protein structure and function (SIFT, PolyPhen-2, Align-GVGD) all suggest that this variant is likely to be tolerated. In summary, the available evidence is currently insufficient to determine the role of this variant in disease. Therefore, it has been classified as a Variant of Uncertain Significance.

GeneDx
Classification: Uncertain significance. Last evaluated: 2017-07-14. Review status: criteria provided, single submitter. Criteria: GeneDx Variant Classification (06012015). Collection method: clinical testing. Allele origin: germline. Affected: yes.
Comment: The A893V variant in the ZNF423 gene has not been reported previously as a pathogenic variant, nor as a benign variant, to our knowledge. The A893V variant is not observed in large population cohorts (Lek et al., 2016; 1000 Genomes Consortium et al., 2015; Exome Variant Server). The A893V variant is a conservative amino acid substitution, which is not likely to impact secondary protein structure as these residues share similar properties. This substitution occurs at a position that is conserved across species. In silico analysis is inconsistent in its predictions as to whether or not the variant is damaging to the protein structure/function. We interpret A893V as a variant of uncertain significance.